The following is an entry in ClinVar:

ClinVar aggregate classification (germline): Benign/Likely benign. Review status: criteria provided, single submitter (1 of 4 stars). 2 submissions from 1 submitter: Benign (1); Likely benign (1). Last evaluated 2018-01-13.

Conditions:
Distal arthrogryposis type 2B1 (DA2B1). Also called: Arthrogryposis multiplex congenita distal type II with craniofacial abnormalities. Identifiers: Orphanet 1147, MedGen C5193014, MONDO:0020820, OMIM 601680.
Freeman-Sheldon syndrome (DA2A). Also called: CRANIOCARPOTARSAL DYSPLASIA; CRANIOCARPOTARSAL DYSTROPHY; WHISTLING FACE-WINDMILL VANE HAND SYNDROME; Arthrogryposis, distal, type 2A (Freeman-Sheldon). Identifiers: Orphanet 2053, MedGen C0265224, MONDO:0008675, OMIM 193700.

Allele frequency attached by ClinVar (database versions not stated): 1000 Genomes Project 30x 0.00109; 1000 Genomes Project 0.00120; TOPMed 0.00162; gnomAD 0.00203 and 0.00209.

Submissions (2):

Illumina Laboratory Services, Illumina
Classification: Benign for Freeman-Sheldon syndrome. Last evaluated: 2018-01-13. Review status: criteria provided, single submitter. Criteria: ICSL Variant Classification Criteria 13 December 2019. Collection method: clinical testing. Allele origin: germline.
Comment: This variant was observed in the ICSL laboratory as part of a predisposition screen in an ostensibly healthy population. It had not been previously curated by ICSL or reported in the Human Gene Mutation Database (HGMD: prior to June 1st, 2018), and was therefore a candidate for classification through an automated scoring system. Utilizing variant allele frequency, disease prevalence and penetrance estimates, and inheritance mode, an automated score was calculated to assess if this variant is too frequent to cause the disease. Based on the score and internal cut-off values, a variant classified as benign is not then subjected to further curation. The score for this variant resulted in a classification of benign for this disease.

Illumina Laboratory Services, Illumina
Classification: Likely benign for Distal arthrogryposis type 2B1. Last evaluated: 2018-01-13. Review status: criteria provided, single submitter. Criteria: ICSL Variant Classification Criteria 13 December 2019. Collection method: clinical testing. Allele origin: germline.
Comment: This variant was observed in the ICSL laboratory as part of a predisposition screen in an ostensibly healthy population. It had not been previously curated by ICSL or reported in the Human Gene Mutation Database (HGMD: prior to June 1st, 2018), and was therefore a candidate for classification through an automated scoring system. Utilizing variant allele frequency, disease prevalence and penetrance estimates, and inheritance mode, an automated score was calculated to assess if this variant is too frequent to cause the disease. Based on the score and internal cut-off values, a variant classified as likely benign is not then subjected to further curation. The score for this variant resulted in a classification of likely benign for this disease.

NM_002470.4(MYH3):c.-63G>A

Gene: MYH3 (myosin heavy chain 3; minus strand). Cytogenetic location: 17p13.1.
Variant type: single nucleotide variant.
Coding change: c.-63G>A on transcript NM_002470.4 (MANE Select); 63 bases upstream of the start codon, G replaced by A.
Molecular consequence: 5 prime UTR variant.
Genome position (GRCh38, 1-based): chr17:10,656,144, C>T on the plus strand (G>A on the coding strand, the complement: MYH3 is on the minus strand). VCF-style: chr17-10656144-C-T. GRCh37 (hg19) VCF-style: chr17-10559461-C-T.
Identifiers: ClinVar variation 321779 (VCV000321779.5), dbSNP rs141754213, ClinGen allele CA10649476.
Genomic context (GRCh38, chr17:10,656,144, plus strand): 5'-TCTCACCTGAGAGTCCCACCTGCAGGATGAGAGCAGAAGACAGCAACAGCCAGGAGATCC[C>T]AGACCTGGAAGAATATGCACATACACAACTTAGCGGCACTTGGGGTGGCTGCGTCCATGT-3'